The following is an entry in ClinVar:

NM_014633.5(CTR9):c.3365G>C (p.Arg1122Pro)

Gene: CTR9 (CTR9 component of Paf1/RNA polymerase II complex; plus strand). Cytogenetic location: 11p15.4.
Variant type: single nucleotide variant.
Coding change: c.3365G>C on transcript NM_014633.5 (MANE Select); coding-DNA position 3365, G replaced by C.
Protein change: p.Arg1122Pro; replaces arginine 1122 with proline.
Molecular consequence: missense variant.
Genome position (GRCh38, 1-based): chr11:10,778,948, G>C. VCF-style: chr11-10778948-G-C. GRCh37 (hg19) VCF-style: chr11-10800495-G-C.
Other names: c.3293G>C, p.Arg1098Pro (NM_001346279.2); short protein forms R1122P, R1098P.
Identifiers: ClinVar variation 2056599 (VCV002056599.4), dbSNP rs367908001, ClinGen allele CA379679621.

ClinVar aggregate classification (germline): Uncertain significance (1 of 4 stars; one submission).

gnomAD v4.1: 1 of 1,614,100 alleles (0.000062%); highest among the groups gnomAD compares: Non-Finnish European, 0.000085%; no homozygotes.

Submission:

Labcorp Genetics (formerly Invitae), Labcorp
Classification: Uncertain significance. Last evaluated: 2022-10-09. Review status: criteria provided, single submitter. Criteria: Invitae Variant Classification Sherloc (09022015). Collection method: clinical testing. Allele origin: germline.
Comment: In summary, the available evidence is currently insufficient to determine the role of this variant in disease. Therefore, it has been classified as a Variant of Uncertain Significance. Algorithms developed to predict the effect of missense changes on protein structure and function (SIFT, PolyPhen-2, Align-GVGD) all suggest that this variant is likely to be tolerated. This variant has not been reported in the literature in individuals affected with CTR9-related conditions. This variant is not present in population databases (gnomAD no frequency). This sequence change replaces arginine, which is basic and polar, with proline, which is neutral and non-polar, at codon 1122 of the CTR9 protein (p.Arg1122Pro).